The following is an entry in ClinVar:

ClinVar aggregate classification (germline): Uncertain significance (1 of 4 stars; one submission).

gnomAD v4.1: 1 of 1,614,090 alleles (0.000062%); highest among the groups gnomAD compares: Non-Finnish European, 0.000085%; no homozygotes.

Submission:

GeneDx
Classification: Uncertain significance. Last evaluated: 2025-06-04. Review status: criteria provided, single submitter. Criteria: GeneDx Variant Classification Process June 2021. Collection method: clinical testing. Allele origin: germline. Affected: yes.
Comment: Not observed at significant frequency in large population cohorts (gnomAD); In silico analysis supports that this missense variant has a deleterious effect on protein structure/function; Has not been previously published as pathogenic or benign to our knowledge; Substitution of a calcium-binding residue within a calcium-binding EGF-like domain of the FBN1 gene, which is an established mechanism of disease for Marfan syndrome (PMID: 20591885); This variant is associated with the following publications: (PMID: 20591885)

NM_000138.5(FBN1):c.4200C>G (p.Phe1400Leu)

Gene: FBN1 (fibrillin 1; minus strand). Cytogenetic location: 15q21.1.
Variant type: single nucleotide variant.
Coding change: c.4200C>G on transcript NM_000138.5 (MANE Select); coding-DNA position 4200, C replaced by G.
Protein change: p.Phe1400Leu; replaces phenylalanine 1400 with leucine.
Molecular consequence: missense variant.
Genome position (GRCh38, 1-based): chr15:48,474,265, G>C on the plus strand (C>G on the coding strand, the complement: FBN1 is on the minus strand). VCF-style: chr15-48474265-G-C. GRCh37 (hg19) VCF-style: chr15-48766462-G-C.
Other names: c.4200C>G, p.Phe1400Leu (NM_001406716.1); short protein forms F1400L.
Identifiers: ClinVar variation 4536581 (VCV004536581.1).